The following is an entry in ClinVar:

NM_001009944.3(PKD1):c.4612G>C (p.Ala1538Pro)

Gene: PKD1 (polycystin 1, transient receptor potential channel interacting; minus strand). Cytogenetic location: 16p13.3.
Variant type: single nucleotide variant.
Coding change: c.4612G>C on transcript NM_001009944.3 (MANE Select); coding-DNA position 4612, G replaced by C.
Protein change: p.Ala1538Pro; replaces alanine 1538 with proline.
Molecular consequence: missense variant.
Genome position (GRCh38, 1-based): chr16:2,110,555, C>G on the plus strand (G>C on the coding strand, the complement: PKD1 is on the minus strand). VCF-style: chr16-2110555-C-G. GRCh37 (hg19) VCF-style: chr16-2160556-C-G.
Other names: c.4612G>C, p.Ala1538Pro (NM_000296.4); short protein forms A1538P.
Identifiers: ClinVar variation 3359728 (VCV003359728.1).
Genomic context (GRCh38, chr16:2,110,555, plus strand): 5'-TGCGGCTTGCATTGACGACGAGCCCCCGCACGCGCCGCTTCACCGTCACATTGAGCCAGG[C>G]CTCGCTGCGGCTCACCTCATTCCAGCCGGCCACCCTAACGGTGAAGTCACCTGTGCTGTT-3'
Protein context (NP_001009944.3, residues 1528-1548): AGWNEVSRSE[Ala1538Pro]WLNVTVKRRV

ClinVar aggregate classification (germline): Uncertain significance (1 of 4 stars; one submission).

Submission:

GeneDx
Classification: Uncertain significance. Last evaluated: 2023-06-13. Review status: criteria provided, single submitter. Criteria: GeneDx Variant Classification Process June 2021. Collection method: clinical testing. Allele origin: germline. Affected: yes.
Comment: Not observed at significant frequency in large population cohorts (gnomAD); In silico analysis supports that this missense variant does not alter protein structure/function; Has not been previously published as pathogenic or benign to our knowledge